The following is an entry in ClinVar:

NM_017433.5(MYO3A):c.2104T>G (p.Ser702Ala)

Gene: MYO3A (myosin IIIA; plus strand). Cytogenetic location: 10p12.1.
Variant type: single nucleotide variant.
Coding change: c.2104T>G on transcript NM_017433.5 (MANE Select); coding-DNA position 2104, T replaced by G.
Protein change: p.Ser702Ala; replaces serine 702 with alanine.
Molecular consequence: missense variant.
Genome position (GRCh38, 1-based): chr10:26,125,598, T>G. VCF-style: chr10-26125598-T-G. GRCh37 (hg19) VCF-style: chr10-26414527-T-G.
Other names: short protein forms S702A.
Identifiers: ClinVar variation 1932601 (VCV001932601.5), dbSNP rs758171932, ClinGen allele CA5444862.

ClinVar aggregate classification (germline): Uncertain significance (1 of 4 stars; one submission).

Allele frequency attached by ClinVar (database versions not stated): TOPMed below 0.00001; gnomAD 0.00002; ExAC 0.00006.
gnomAD v4.1: 50 of 1,613,958 alleles (0.0031%); highest among the groups gnomAD compares: South Asian, 0.046%; no homozygotes.

Submission:

Labcorp Genetics (formerly Invitae), Labcorp
Classification: Uncertain significance. Last evaluated: 2025-08-03. Review status: criteria provided, single submitter. Criteria: Invitae Variant Classification Sherloc (09022015). Collection method: clinical testing. Allele origin: germline.
Comment: This sequence change replaces serine, which is neutral and polar, with alanine, which is neutral and non-polar, at codon 702 of the MYO3A protein (p.Ser702Ala). This variant is present in population databases (rs758171932, gnomAD 0.04%). This variant has not been reported in the literature in individuals affected with MYO3A-related conditions. ClinVar contains an entry for this variant (Variation ID: 1932601). Invitae Evidence Modeling of protein sequence and biophysical properties (such as structural, functional, and spatial information, amino acid conservation, physicochemical variation, residue mobility, and thermodynamic stability) indicates that this missense variant is not expected to disrupt MYO3A protein function with a negative predictive value of 80%. In summary, the available evidence is currently insufficient to determine the role of this variant in disease. Therefore, it has been classified as a Variant of Uncertain Significance.